The following is an entry in ClinVar:

ClinVar aggregate classification (germline): Uncertain significance. Review status: criteria provided, multiple submitters, no conflicts (2 of 4 stars). 2 submissions from 2 submitters: Uncertain significance (2). Last evaluated 2026-07-01.

Conditions:
Alzheimer disease 4 (AD4). Identifiers: Orphanet 1020, MedGen C1847200, MONDO:0011743, OMIM 606889.
Dilated cardiomyopathy 1V (CMD1V). Identifiers: Orphanet 154, MedGen C3150958, MONDO:0013373, OMIM 613697.

Submissions (2):

CeGaT Center for Human Genetics Tuebingen
Classification: Uncertain significance. Last evaluated: 2026-07-01. Review status: criteria provided, single submitter. Criteria: CeGaT Center For Human Genetics Tuebingen Variant Classification Criteria Version 2. Collection method: clinical testing. Allele origin: germline. Affected: yes. Observed: 1 variant allele.
Comment: PSEN2: PM2

Department of Pathology and Laboratory Medicine, Sinai Health System
Classification: Uncertain significance for Alzheimer disease 4; Dilated cardiomyopathy 1V. Last evaluated: 2020-05-29. Review status: criteria provided, single submitter. Criteria: ACMG Guidelines, 2015. Collection method: research. Allele origin: germline.

NM_000447.3(PSEN2):c.147C>A (p.Ser49Arg)

Gene: PSEN2 (presenilin 2; plus strand). Cytogenetic location: 1q42.13.
Variant type: single nucleotide variant.
Coding change: c.147C>A on transcript NM_000447.3 (MANE Select); coding-DNA position 147, C replaced by A.
Protein change: p.Ser49Arg; replaces serine 49 with arginine.
Molecular consequence: missense variant.
Genome position (GRCh38, 1-based): chr1:226,883,710, C>A. VCF-style: chr1-226883710-C-A. GRCh37 (hg19) VCF-style: chr1-227071411-C-A.
Other names: c.147C>A, p.Ser49Arg (NM_012486.3); short protein forms S49R.
Identifiers: ClinVar variation 3892203 (VCV003892203.2).